The following is an entry in ClinVar:

NM_014225.6(PPP2R1A):c.1466T>A (p.Met489Lys)

Gene: PPP2R1A (protein phosphatase 2 scaffold subunit Aalpha; plus strand). Cytogenetic location: 19q13.41.
Variant type: single nucleotide variant.
Coding change: c.1466T>A on transcript NM_014225.6 (MANE Select); coding-DNA position 1466, T replaced by A.
Protein change: p.Met489Lys; replaces methionine 489 with lysine.
Molecular consequence: missense variant. On other transcripts: non-coding transcript variant (1).
Genome position (GRCh38, 1-based): chr19:52,221,081, T>A. VCF-style: chr19-52221081-T-A. GRCh37 (hg19) VCF-style: chr19-52724334-T-A.
Other names: c.929T>A, p.Met310Lys (NM_001363656.2); short protein forms M310K, M489K.
Identifiers: ClinVar variation 4746092 (VCV004746092.1).

ClinVar aggregate classification (germline): Uncertain significance (1 of 4 stars; one submission).

Submission:

Labcorp Genetics (formerly Invitae), Labcorp
Classification: Uncertain significance. Last evaluated: 2025-06-26. Review status: criteria provided, single submitter. Criteria: Invitae Variant Classification Sherloc (09022015). Collection method: clinical testing. Allele origin: germline.
Comment: This sequence change replaces methionine, which is neutral and non-polar, with lysine, which is basic and polar, at codon 489 of the PPP2R1A protein (p.Met489Lys). This variant is not present in population databases (gnomAD no frequency). This variant has not been reported in the literature in individuals affected with PPP2R1A-related conditions. Invitae Evidence Modeling of protein sequence and biophysical properties (such as structural, functional, and spatial information, amino acid conservation, physicochemical variation, residue mobility, and thermodynamic stability) indicates that this missense variant is not expected to disrupt PPP2R1A protein function with a negative predictive value of 80%. In summary, the available evidence is currently insufficient to determine the role of this variant in disease. Therefore, it has been classified as a Variant of Uncertain Significance.